The following is an entry in ClinVar:

NM_001287.6(CLCN7):c.1462_1463del (p.Leu488fs)

Gene: CLCN7 (Cl-/H+ antiporter 7; minus strand). Cytogenetic location: 16p13.3.
Variant type: Deletion.
Coding change: c.1462_1463del on transcript NM_001287.6 (MANE Select); coding-DNA positions 1462 to 1463, 2 bases deleted (CT; older notation c.1462_1463delCT).
Protein change: p.Leu488fs; shifts the reading frame from leucine 488.
Molecular consequence: frameshift variant.
Genome position (GRCh38, 1-based): chr16:1,450,651-1,450,652, AG deleted on the plus strand (CT on the coding strand, the reverse complement: CLCN7 is on the minus strand). VCF-style (leftmost placement, unchanged base first): chr16-1450650-CAG-C. GRCh37 (hg19) VCF-style: chr16-1500651-CAG-C.
Other names: c.1390_1391del, p.Leu464fs (NM_001114331.3); c.1462_1463delCT (NM_001287.6); short protein forms L464fs, L488fs.
Identifiers: ClinVar variation 4849403 (VCV004849403.1).

ClinVar aggregate classification (germline): Likely pathogenic (1 of 4 stars; one submission).

Conditions:
Autosomal recessive osteopetrosis 4. Also called: infantile malignant CLCN7-related recessive osteopetrosis; CLCN7-Related Osteopetrosis. Identifiers: Orphanet 667, MedGen C1969106, MONDO:0012676, OMIM 611490.

Submission:

First Genomix Gene Laboratory, Genetic Diagnostics Department
Classification: Likely pathogenic for Autosomal recessive osteopetrosis 4. Last evaluated: 2025-05-23. Review status: criteria provided, single submitter. Criteria: ACMG Guidelines, 2015. Collection method: clinical testing. Allele origin: germline. Inheritance: Autosomal recessive inheritance. Affected: no. Observed: 1 variant allele.